The following is an entry in ClinVar:

NM_030665.4(RAI1):c.3137G>C (p.Arg1046Pro)

Gene: RAI1 (retinoic acid induced 1; plus strand). Cytogenetic location: 17p11.2.
Variant type: single nucleotide variant.
Coding change: c.3137G>C on transcript NM_030665.4 (MANE Select); coding-DNA position 3137, G replaced by C.
Protein change: p.Arg1046Pro; replaces arginine 1046 with proline.
Molecular consequence: missense variant.
Genome position (GRCh38, 1-based): chr17:17,796,085, G>C. VCF-style: chr17-17796085-G-C. GRCh37 (hg19) VCF-style: chr17-17699399-G-C.
Other names: short protein forms R1046P.
Identifiers: ClinVar variation 3353025 (VCV003353025.1).

ClinVar aggregate classification (germline): Uncertain significance (0 of 4 stars; one submission).

Conditions:
RAI1-related disorder. Also called: RAI1-related condition.

gnomAD v4.1: 2 of 1,579,904 alleles (0.00013%); highest among the groups gnomAD compares: African/African-American, 0.0013%; no homozygotes.

Submission:

PreventionGenetics, part of Exact Sciences
Classification: Uncertain significance for RAI1-related condition. Last evaluated: 2024-05-31. Review status: no assertion criteria provided. Collection method: clinical testing. Allele origin: germline.
Comment: The RAI1 c.3137G>C variant is predicted to result in the amino acid substitution p.Arg1046Pro. To our knowledge, this variant has not been reported in the literature. This variant is reported in 0.012% of alleles in individuals of African descent in gnomAD. At this time, the clinical significance of this variant is uncertain due to the absence of conclusive functional and genetic evidence.